The following is an entry in ClinVar:

NM_022124.6(CDH23):c.8674C>T (p.Arg2892Trp)

Gene: CDH23 (cadherin related 23; plus strand). Cytogenetic location: 10q22.1.
Variant type: single nucleotide variant.
Coding change: c.8674C>T on transcript NM_022124.6 (MANE Select); coding-DNA position 8674, C replaced by T.
Protein change: p.Arg2892Trp; replaces arginine 2892 with tryptophan.
Molecular consequence: missense variant.
Genome position (GRCh38, 1-based): chr10:71,807,959, C>T. VCF-style: chr10-71807959-C-T. GRCh37 (hg19) VCF-style: chr10-73567716-C-T.
Other names: c.1954C>T, p.Arg652Trp (NM_001171933.1, NM_001171934.1); c.8674C>T (NM_022124.5); short protein forms R652W, R2892W.
Identifiers: ClinVar variation 1399810 (VCV001399810.6), dbSNP rs1468886300, ClinGen allele CA377132534.

ClinVar aggregate classification (germline): Uncertain significance. Review status: criteria provided, multiple submitters, no conflicts (2 of 4 stars). 2 submissions from 2 submitters: Uncertain significance (2). Last evaluated 2024-07-09.

Conditions:
Inborn genetic diseases. Identifiers: MedGen C0950123, MeSH D030342.

Allele frequency attached by ClinVar (database versions not stated): gnomAD 0.00001; TOPMed 0.00001.
gnomAD v4.1: 15 of 1,600,108 alleles (0.00094%); highest among the groups gnomAD compares: Admixed American, 0.0069%; no homozygotes.

Submissions (2):

Ambry Genetics
Classification: Uncertain significance for Inborn genetic diseases. Last evaluated: 2024-07-09. Review status: criteria provided, single submitter. Criteria: Ambry Variant Classification Scheme 2023. Collection method: clinical testing. Allele origin: germline.

Labcorp Genetics (formerly Invitae), Labcorp
Classification: Uncertain significance. Last evaluated: 2021-09-17. Review status: criteria provided, single submitter. Criteria: Invitae Variant Classification Sherloc (09022015). Collection method: clinical testing. Allele origin: germline.
Comment: This sequence change replaces arginine with tryptophan at codon 2892 of the CDH23 protein (p.Arg2892Trp). The arginine residue is moderately conserved and there is a moderate physicochemical difference between arginine and tryptophan. This variant is not present in population databases (ExAC no frequency). This variant has not been reported in the literature in individuals affected with CDH23-related conditions. Algorithms developed to predict the effect of missense changes on protein structure and function are either unavailable or do not agree on the potential impact of this missense change (SIFT: "Deleterious"; PolyPhen-2: "Not Available"; Align-GVGD: "Class C0"). In summary, the available evidence is currently insufficient to determine the role of this variant in disease. Therefore, it has been classified as a Variant of Uncertain Significance.